The following is an entry in ClinVar:

NM_001369268.1(ACAN):c.70+3G>A

Gene: ACAN (aggrecan; plus strand). Cytogenetic location: 15q26.1.
Variant type: single nucleotide variant.
Coding change: c.70+3G>A on transcript NM_001369268.1 (MANE Select); 3 bases into the intron after coding-DNA position 70, G replaced by A.
Molecular consequence: intron variant.
Genome position (GRCh38, 1-based): chr15:88,836,279, G>A. VCF-style: chr15-88836279-G-A. GRCh37 (hg19) VCF-style: chr15-89379510-G-A.
Other names: c.70+3G>A (NM_013227.4, NM_001411097.1, NM_001411096.1 and 1 more transcripts).
Identifiers: ClinVar variation 4704041 (VCV004704041.1).
Genomic context (GRCh38, chr15:88,836,279, plus strand): 5'-CTCTGGGTTTTCGTGACTCTGAGGGTCATCACTGCAGCTGTCACTGTAGAAACTTCAGGT[G>A]AGGACATTCCTATACATGTTTCACGTATTCAGTAGGCATGAGTAGTGGGTTTGAGTACTG-3'

ClinVar aggregate classification (germline): Uncertain significance (1 of 4 stars; one submission).

gnomAD v4.1: 6 of 1,612,454 alleles (0.00037%); highest among the groups gnomAD compares: Non-Finnish European, 0.00051%; no homozygotes.

Submission:

Labcorp Genetics (formerly Invitae), Labcorp
Classification: Uncertain significance. Last evaluated: 2025-09-09. Review status: criteria provided, single submitter. Criteria: Invitae Variant Classification Sherloc (09022015). Collection method: clinical testing. Allele origin: germline.
Comment: This sequence change falls in intron 2 of the ACAN gene. It does not directly change the encoded amino acid sequence of the ACAN protein. It affects a nucleotide within the consensus splice site. This variant is not present in population databases (gnomAD no frequency). This variant has not been reported in the literature in individuals affected with ACAN-related conditions. Variants that disrupt the consensus splice site are a relatively common cause of aberrant splicing (PMID: 17576681, 9536098). Algorithms developed to predict the effect of sequence changes on RNA splicing suggest that this variant is not likely to affect RNA splicing. In summary, the available evidence is currently insufficient to determine the role of this variant in disease. Therefore, it has been classified as a Variant of Uncertain Significance.

Literature cited by the submitters: PubMed 17576681; PubMed 9536098.